The following is an entry in ClinVar:

NM_001374353.1(GLI2):c.1923del (p.Ala643fs)

Gene: GLI2 (GLI family zinc finger 2; plus strand). Cytogenetic location: 2q14.2.
Variant type: Deletion.
Coding change: c.1923del on transcript NM_001374353.1 (MANE Select); coding-DNA position 1923, one base deleted (C; older notation c.1923delC).
Protein change: p.Ala643fs; shifts the reading frame from alanine 643.
Molecular consequence: frameshift variant.
Genome position (GRCh38, 1-based): chr2:120,986,295, C deleted; the last of 4 consecutive C bases (chr2:120,986,292-120,986,295); deleting any one gives the same sequence. VCF-style (leftmost placement, unchanged base first): chr2-120986291-GC-G. GRCh37 (hg19) VCF-style: chr2-121743867-GC-G.
Other names: c.1974del, p.Ala660fs (NM_001371271.1, NM_005270.5); c.1548del, p.Ala518fs (NM_001374354.1); short protein forms A518fs, A643fs, A660fs.
Identifiers: ClinVar variation 5037731 (VCV005037731.1).

ClinVar aggregate classification (germline): Pathogenic (1 of 4 stars; one submission).

Submission:

GeneDx
Classification: Pathogenic. Last evaluated: 2026-04-20. Review status: criteria provided, single submitter. Criteria: GeneDx Variant Classification Process June 2021. Collection method: clinical testing. Allele origin: germline.
Comment: Frameshift variant predicted to result in protein truncation or nonsense mediated decay in a gene for which loss-of-function is a known mechanism of disease; Not observed at significant frequency in large population cohorts (gnomAD); Has not been previously published as pathogenic or benign to our knowledge